The following is an entry in ClinVar:

ClinVar aggregate classification (germline): Likely benign (1 of 4 stars; one submission).

Conditions:
Waardenburg syndrome type 4A (WS4A). Also called: WAARDENBURG SYNDROME WITH HIRSCHSPRUNG DISEASE, TYPE 4A. Identifiers: Orphanet 897, MedGen C1848519, MONDO:0010192, OMIM 277580.

gnomAD v4.1: 1 of 1,596,788 alleles (0.000063%); highest among the groups gnomAD compares: Non-Finnish European, 0.000085%; no homozygotes.

Submission:

Centre for Medical Genetics,  Mumbai
Classification: Likely benign for Waardenburg syndrome type 4A. Last evaluated: 2026-02-02. Review status: criteria provided, single submitter. Criteria: ACMG Guidelines, 2015. Collection method: provider interpretation. Allele origin: germline. Inheritance: Autosomal dominant inheritance. Affected: no.
Comment: The variant satisfies PM2 criteria; Extremely low frequency in gnomAD population databases. The variant satisfies BP4 criteria; For a missense or a splice region variant, computational prediction tools unanimously support a benign effect on the gene. However, the variant satisfies BS2 criteria.

Literature cited by the submitters: PubMed 8001158.

NM_001122659.3(EDNRB):c.29G>A (p.Arg10His)

Gene: EDNRB (endothelin receptor type B; minus strand). Cytogenetic location: 13q22.3.
Variant type: single nucleotide variant.
Coding change: c.29G>A on transcript NM_001122659.3 (MANE Select); coding-DNA position 29, G replaced by A.
Protein change: p.Arg10His; replaces arginine 10 with histidine.
Molecular consequence: missense variant.
Genome position (GRCh38, 1-based): chr13:77,918,545, C>T on the plus strand (G>A on the coding strand, the complement: EDNRB is on the minus strand). VCF-style: chr13-77918545-C-T. GRCh37 (hg19) VCF-style: chr13-78492680-C-T.
Other names: c.29G>A, p.Arg10His (NM_000115.5, NM_003991.4); c.299G>A, p.Arg100His (NM_001201397.2); short protein forms R100H, R10H.
Identifiers: ClinVar variation 4690285 (VCV004690285.1).